The following is an entry in ClinVar:

ClinVar aggregate classification (germline): Uncertain significance (1 of 4 stars; one submission).

Conditions:
Adams-Oliver syndrome 5 (AOS5). Identifiers: Orphanet 974, MedGen C4014970, MONDO:0014459, OMIM 616028.

Submission:

Labcorp Genetics (formerly Invitae), Labcorp
Classification: Uncertain significance for Adams-Oliver syndrome 5. Last evaluated: 2025-07-13. Review status: criteria provided, single submitter. Criteria: Invitae Variant Classification Sherloc (09022015). Collection method: clinical testing. Allele origin: germline.
Comment: This sequence change replaces aspartic acid, which is acidic and polar, with glycine, which is neutral and non-polar, at codon 695 of the NOTCH1 protein (p.Asp695Gly). Information on the frequency of this variant in the gnomAD database is not available, as this variant may be reported differently in the database. This variant has not been reported in the literature in individuals affected with NOTCH1-related conditions. An algorithm developed to predict the effect of missense changes on protein structure and function (PolyPhen-2) suggests that this variant is likely to be disruptive. In summary, the available evidence is currently insufficient to determine the role of this variant in disease. Therefore, it has been classified as a Variant of Uncertain Significance.

NM_017617.5(NOTCH1):c.2084_2085inv (p.Asp695Gly)

Gene: NOTCH1 (notch receptor 1; minus strand). Cytogenetic location: 9q34.3.
Variant type: Inversion.
Coding change: c.2084_2085inv on transcript NM_017617.5 (MANE Select).
Protein change: p.Asp695Gly; replaces aspartic acid 695 with glycine.
Molecular consequence: missense variant.
Genome position: GRCh38 VCF-style: chr9-136514632-GT-AC. GRCh37 (hg19) VCF-style: chr9-139409084-GT-AC.
Other names: short protein forms D695G.
Identifiers: ClinVar variation 4723072 (VCV004723072.1).